The following is an entry in ClinVar:

ClinVar aggregate classification (germline): Uncertain significance (1 of 4 stars; one submission).

Submission:

Dasa
Classification: Uncertain significance. Last evaluated: 2025-08-20. Review status: criteria provided, single submitter. Criteria: DASA Assertion Criteria. Collection method: clinical testing. Allele origin: germline.
Comment: NM_014905.5(GLS):c.799A>G (p.Thr267Ala) is a missense variant that results in the substitution of threonine with alanine. This variant is absent from population databases. Computational prediction algorithms are consistent with a deleterious effect. The currently available literature and clinical evidence are not sufficient to establish a definitive association between this variant and the reported condition. Therefore, this variant is classified as a variant of uncertain significance.

NM_014905.5(GLS):c.799A>G (p.Thr267Ala)

Gene: GLS (glutaminase; plus strand). Cytogenetic location: 2q32.2.
Variant type: single nucleotide variant.
Coding change: c.799A>G on transcript NM_014905.5 (MANE Select); coding-DNA position 799, A replaced by G.
Protein change: p.Thr267Ala; replaces threonine 267 with alanine.
Molecular consequence: missense variant.
Genome position (GRCh38, 1-based): chr2:190,902,010, A>G. VCF-style: chr2-190902010-A-G. GRCh37 (hg19) VCF-style: chr2-191766736-A-G.
Other names: c.799A>G, p.Thr267Ala (NM_001256310.2, NM_001437282.1, NM_001437283.1); short protein forms T267A.
Identifiers: ClinVar variation 5020883 (VCV005020883.1).